The following is an entry in ClinVar:

ClinVar aggregate classification (germline): Uncertain significance (1 of 4 stars; one submission).

Conditions:
Amyotrophic lateral sclerosis type 1 (ALS1). Also called: AMYOTROPHIC LATERAL SCLEROSIS 1, FAMILIAL. Identifiers: Orphanet 803, MedGen C1862939, MONDO:0007103, OMIM 105400.
Perry syndrome. Also called: PARKINSONISM WITH ALVEOLAR HYPOVENTILATION AND MENTAL DEPRESSION. Identifiers: Orphanet 178509, MedGen C1868594, MONDO:0008201, OMIM 168605.
Neuronopathy, distal hereditary motor, type 7B. Also called: Distal Hereditary Motor Neuronopathy Type 7B (dHMN7B); NEURONOPATHY, DISTAL HEREDITARY MOTOR, AUTOSOMAL DOMINANT 14; NEURONOPATHY, DISTAL HEREDITARY MOTOR, HARDING TYPE VIIB; NEUROPATHY, DISTAL HEREDITARY MOTOR, HARDING TYPE VIIB; NEUROPATHY, DISTAL HEREDITARY MOTOR, WITH VOCAL CORD PARALYSIS, HARDING TYPE VIIB; HMN VIIB. Identifiers: Orphanet 139589, MedGen C1843315, MONDO:0011879, OMIM 607641.

Allele frequency attached by ClinVar (database versions not stated): gnomAD exomes below 0.00001; TOPMed below 0.00001.
gnomAD v4.1: 1 of 1,614,194 alleles (0.000062%); highest among the groups gnomAD compares: African/African-American, 0.0013%; no homozygotes.

Submission:

Labcorp Genetics (formerly Invitae), Labcorp
Classification: Uncertain significance for Amyotrophic lateral sclerosis type 1; Neuronopathy, distal hereditary motor, type 7B; Perry syndrome. Last evaluated: 2024-08-28. Review status: criteria provided, single submitter. Criteria: Invitae Variant Classification Sherloc (09022015). Collection method: clinical testing. Allele origin: germline.
Comment: This sequence change falls in intron 20 of the DCTN1 gene. It does not directly change the encoded amino acid sequence of the DCTN1 protein. It affects a nucleotide within the consensus splice site. This variant is not present in population databases (gnomAD no frequency). This variant has not been reported in the literature in individuals affected with DCTN1-related conditions. ClinVar contains an entry for this variant (Variation ID: 1377081). Variants that disrupt the consensus splice site are a relatively common cause of aberrant splicing (PMID: 17576681, 9536098). Algorithms developed to predict the effect of sequence changes on RNA splicing suggest that this variant may disrupt the consensus splice site. In summary, the available evidence is currently insufficient to determine the role of this variant in disease. Therefore, it has been classified as a Variant of Uncertain Significance.

Literature cited by the submitters: PubMed 17576681; PubMed 9536098.

NM_004082.5(DCTN1):c.2316+5G>A

Gene: DCTN1 (dynactin subunit 1; minus strand). Cytogenetic location: 2p13.1.
Variant type: single nucleotide variant.
Coding change: c.2316+5G>A on transcript NM_004082.5 (MANE Select); 5 bases into the intron after coding-DNA position 2316, G replaced by A.
Molecular consequence: intron variant.
Genome position (GRCh38, 1-based): chr2:74,367,040, C>T on the plus strand (G>A on the coding strand, the complement: DCTN1 is on the minus strand). VCF-style: chr2-74367040-C-T. GRCh37 (hg19) VCF-style: chr2-74594167-C-T.
Other names: c.2205+5G>A (NM_001190836.2); c.2247+5G>A (NM_001378992.1); c.2265+5G>A (NM_001378991.1); c.2256+5G>A (NM_001135040.3); c.2295+5G>A (NM_001190837.2); c.1914+5G>A (NM_001135041.3, NM_023019.4).
Identifiers: ClinVar variation 1377081 (VCV001377081.6), dbSNP rs913439751, ClinGen allele CA50475150.
Genomic context (GRCh38, chr2:74,367,040, plus strand): 5'-CTCGGAGTAAGGAAGTGAGGACTAAGAAAGAAGAGGAGCTCACACAGATCTAGATGTGTT[C>T]TCACCTGCAAGAAGGCACGCAGCCGTCCTACCTCCACACTCATGCAGTCCAGAGCACTCT-3'